The following is an entry in ClinVar:

ClinVar aggregate classification (germline): Uncertain significance (0 of 4 stars; one submission).

Conditions:
GNAS-related disorder. Identifiers: MedGen CN380105.

Submission:

PreventionGenetics, part of Exact Sciences
Classification: Uncertain significance for GNAS-related condition. Last evaluated: 2024-02-06. Review status: no assertion criteria provided. Collection method: clinical testing. Allele origin: germline.
Comment: The GNAS c.3_5delinsAAT variant is predicted to disrupt the translation initiation site (Start loss). The GNAS c.3_5delinsAAT variant may be alternately described as c.3G>A (start loss) and c.4_5delinsAT (p.Asp2Ile). The c.3G>A variant is interpreted as likely pathogenic in ClinVar. In the primary transcript (NM_000516.5) this variant is precoding. To our knowledge, this variant has not been reported in the literature. At this time, the clinical significance of this variant is uncertain due to the absence of conclusive functional and genetic evidence.

NM_016592.5(GNAS):c.3_5delinsAAT (p.Met1_Asp2delinsIleIle)

Genes: GNAS (GNAS complex locus; plus strand), GNAS-AS1 (GNAS antisense RNA 1; minus strand). Cytogenetic location: 20q13.32.
Variant type: Indel.
Coding change: c.3_5delinsAAT on transcript NM_016592.5 (MANE Plus Clinical); coding-DNA positions 3 to 5, GGA replaced by AAT.
Protein change: p.Met1_Asp2delinsIleIle.
Molecular consequence: missense variant, initiator codon variant. On other transcripts: 5 prime UTR variant (1).
Genome position (GRCh38, 1-based): chr20:58,840,109-58,840,111, GGA replaced by AAT. VCF-style: chr20-58840109-GGA-AAT. GRCh37 (hg19) VCF-style: chr20-57415164-GGA-AAT.
Other names: c.-735_-733delinsAAT (NM_001410912.1).
Identifiers: ClinVar variation 3357101 (VCV003357101.1).